The following is an entry in ClinVar:

ClinVar aggregate classification (germline): Likely pathogenic (1 of 4 stars; one submission).

Conditions:
Mucopolysaccharidosis, MPS-II (MPS2). Also called: Hunter Syndrome; IDURONATE 2-SULFATASE DEFICIENCY; Mucopolysaccharidosis Type II; Mucopolysaccharidosis type 2; Attenuated MPS (subtype; formerly known as mild MPS II); Severe MPS II. Identifiers: Orphanet 580, Orphanet 79388, MedGen C0026705, MONDO:0010674, OMIM 309900.

Submission:

Laboratory of Diagnosis and Therapy of Lysosomal Disorders, University of Padova
Classification: Likely pathogenic for Mucopolysaccharidosis, MPS-II. Last evaluated: 2024-06-07. Review status: criteria provided, single submitter. Criteria: ACMG Guidelines, 2015. Collection method: literature only. Allele origin: germline. Affected: yes. Observed: 1 variant allele.
Comment: Absent from controls (or at low frequency) in gnomAD database (PM2_Moderate), Missense variant in a gene with a low rate of benign missense variation (PP2_Supporting), Multiple lines of computational evidence support a deleterious effect (PP3_Supporting), Patient’s phenotype or family history highly specific for the disease (PP4_Strong)

Classification method: ACMG Guidelines [PMID:25741868] with modifications

Literature cited by the submitters: PubMed 7887413.

NM_000202.8(IDS):c.1406C>A (p.Pro469His)

Gene: IDS (iduronate 2-sulfatase; minus strand). Cytogenetic location: Xq28.
Variant type: single nucleotide variant.
Coding change: c.1406C>A on transcript NM_000202.8 (MANE Select); coding-DNA position 1406, C replaced by A.
Protein change: p.Pro469His; replaces proline 469 with histidine.
Molecular consequence: missense variant.
Genome position (GRCh38, 1-based): chrX:149,482,993, G>T on the plus strand (C>A on the coding strand, the complement: IDS is on the minus strand). VCF-style: chrX-149482993-G-T. GRCh37 (hg19) VCF-style: chrX-148564524-G-T.
Other names: c.1136C>A, p.Pro379His (NM_001166550.4); short protein forms P379H, P469H.
Identifiers: ClinVar variation 3256047 (VCV003256047.2).